The following is an entry in ClinVar:

ClinVar aggregate classification (germline): Uncertain significance. Review status: criteria provided, multiple submitters, no conflicts (2 of 4 stars). 2 submissions from 2 submitters: Uncertain significance (2). Last evaluated 2022-09-07.

Conditions:
Inborn genetic diseases. Identifiers: MedGen C0950123, MeSH D030342.
Luscan-Lumish syndrome. Identifiers: Orphanet 597738, MedGen C4085873, MONDO:0014791, OMIM 616831.

Allele frequency attached by ClinVar (database versions not stated): gnomAD exomes 0.00001 and below 0.00001; gnomAD 0.00002; TOPMed below 0.00001.
gnomAD v4.1: 10 of 1,550,436 alleles (0.00064%); highest among the groups gnomAD compares: Admixed American, 0.0059%; no homozygotes.

Submissions (2):

Ambry Genetics
Classification: Uncertain significance for Inborn genetic diseases. Last evaluated: 2022-09-07. Review status: criteria provided, single submitter. Criteria: Ambry Variant Classification Scheme 2023. Collection method: clinical testing. Allele origin: germline.

Labcorp Genetics (formerly Invitae), Labcorp
Classification: Uncertain significance for Luscan-Lumish syndrome. Last evaluated: 2018-03-27. Review status: criteria provided, single submitter. Criteria: Invitae Variant Classification Sherloc (09022015). Collection method: clinical testing. Allele origin: germline.
Comment: In summary, the available evidence is currently insufficient to determine the role of this variant in disease. Therefore, it has been classified as a Variant of Uncertain Significance. Algorithms developed to predict the effect of missense changes on protein structure and function do not agree on the potential impact of this missense change (SIFT: "Deleterious"; PolyPhen-2: "Probably Damaging"; Align-GVGD: "Class C0"). This variant has not been reported in the literature in individuals with SETD2-related disease. This variant is not present in population databases (ExAC no frequency). This sequence change replaces arginine with glutamine at codon 368 of the SETD2 protein (p.Arg368Gln). The arginine residue is highly conserved and there is a small physicochemical difference between arginine and glutamine.

NM_014159.7(SETD2):c.1103G>A (p.Arg368Gln)

Gene: SETD2 (SET domain containing 2, histone lysine methyltransferase; minus strand). Cytogenetic location: 3p21.31.
Variant type: single nucleotide variant.
Coding change: c.1103G>A on transcript NM_014159.7 (MANE Select); coding-DNA position 1103, G replaced by A.
Protein change: p.Arg368Gln; replaces arginine 368 with glutamine.
Molecular consequence: missense variant. On other transcripts: non-coding transcript variant (1).
Genome position (GRCh38, 1-based): chr3:47,123,533, C>T on the plus strand (G>A on the coding strand, the complement: SETD2 is on the minus strand). VCF-style: chr3-47123533-C-T. GRCh37 (hg19) VCF-style: chr3-47165023-C-T.
Other names: c.971G>A, p.Arg324Gln (NM_001349370.3); short protein forms R368Q, R324Q.
Identifiers: ClinVar variation 574938 (VCV000574938.6), dbSNP rs1385695873, ClinGen allele CA352532032.